The following is an entry in ClinVar:

ClinVar aggregate classification (germline): Uncertain significance (1 of 4 stars; one submission).

gnomAD v4.1: 1 of 1,610,576 alleles (0.000062%); highest among the groups gnomAD compares: Non-Finnish European, 0.000085%; no homozygotes.

Submission:

Labcorp Genetics (formerly Invitae), Labcorp
Classification: Uncertain significance. Last evaluated: 2025-06-27. Review status: criteria provided, single submitter. Criteria: Invitae Variant Classification Sherloc (09022015). Collection method: clinical testing. Allele origin: germline.
Comment: This sequence change replaces glutamic acid, which is acidic and polar, with aspartic acid, which is acidic and polar, at codon 48 of the RIMS1 protein (p.Glu48Asp). This variant is not present in population databases (gnomAD no frequency). This missense change has been observed in individual(s) with clinical features of inherited retinal dystrophy (internal data). ClinVar contains an entry for this variant (Variation ID: 1348060). An algorithm developed to predict the effect of missense changes on protein structure and function (PolyPhen-2) suggests that this variant is likely to be tolerated. In summary, the available evidence is currently insufficient to determine the role of this variant in disease. Therefore, it has been classified as a Variant of Uncertain Significance.

NM_014989.7(RIMS1):c.144A>T (p.Glu48Asp)

Gene: RIMS1 (regulating synaptic membrane exocytosis 1; plus strand). Cytogenetic location: 6q13.
Variant type: single nucleotide variant.
Coding change: c.144A>T on transcript NM_014989.7 (MANE Select); coding-DNA position 144, A replaced by T.
Protein change: p.Glu48Asp; replaces glutamic acid 48 with aspartic acid.
Molecular consequence: missense variant.
Genome position (GRCh38, 1-based): chr6:71,887,167, A>T. VCF-style: chr6-71887167-A-T. GRCh37 (hg19) VCF-style: chr6-72596870-A-T.
Other names: c.144A>T, p.Glu48Asp (NM_001350411.1, NM_001350412.1, NM_001350413.1); short protein forms E48D.
Identifiers: ClinVar variation 1348060 (VCV001348060.8), dbSNP rs2150296877, ClinGen allele CA364817954.